The following is an entry in ClinVar:

ClinVar aggregate classification (germline): Pathogenic/Likely pathogenic. Review status: criteria provided, multiple submitters, no conflicts (2 of 4 stars). 2 submissions from 2 submitters: Pathogenic (1); Likely pathogenic (1). Last evaluated 2021-12-29.

Conditions:
Severe global developmental delay. Also called: Severe psychomotor retardation. Identifiers: MedGen C1837397, HP:0011344.

Submissions (2):

Cytogénomique, Hospices Civils de Lyon
Classification: Pathogenic for Severe global developmental delay. Last evaluated: 2021-12-29. Review status: criteria provided, single submitter. Criteria: ACMG Guidelines, 2015. Collection method: clinical testing. Allele origin: de novo. Inheritance: Sporadic. Affected: yes. Observed: 1 variant allele, 1 heterozygote.
Comment: already LP in ClinVar. predicted deleterious. gnomAD=0

CeGaT Center for Human Genetics Tuebingen
Classification: Likely pathogenic. Last evaluated: 2020-03-01. Review status: criteria provided, single submitter. Criteria: CeGaT Center For Human Genetics Tuebingen Variant Classification Criteria Version 2. Collection method: clinical testing. Allele origin: germline. Affected: yes. Observed: 4 variant alleles.

NM_000937.5(POLR2A):c.1462G>A (p.Val488Met)

Gene: POLR2A (RNA polymerase II subunit A; plus strand). Cytogenetic location: 17p13.1.
Variant type: single nucleotide variant.
Coding change: c.1462G>A on transcript NM_000937.5 (MANE Select); coding-DNA position 1462, G replaced by A.
Protein change: p.Val488Met; replaces valine 488 with methionine.
Molecular consequence: missense variant.
Genome position (GRCh38, 1-based): chr17:7,499,282, G>A. VCF-style: chr17-7499282-G-A. GRCh37 (hg19) VCF-style: chr17-7402601-G-A.
Other names: short protein forms V488M.
Identifiers: ClinVar variation 916441 (VCV000916441.42), dbSNP rs2070561031, ClinGen allele CA397875386.